The following is an entry in ClinVar:

NM_001134407.3(GRIN2A):c.2747A>G (p.Asp916Gly)

Gene: GRIN2A (glutamate ionotropic receptor NMDA type subunit 2A; minus strand). Cytogenetic location: 16p13.2.
Variant type: single nucleotide variant.
Coding change: c.2747A>G on transcript NM_001134407.3 (MANE Select); coding-DNA position 2747, A replaced by G.
Protein change: p.Asp916Gly; replaces aspartic acid 916 with glycine.
Molecular consequence: missense variant.
Genome position (GRCh38, 1-based): chr16:9,764,797, T>C on the plus strand (A>G on the coding strand, the complement: GRIN2A is on the minus strand). VCF-style: chr16-9764797-T-C. GRCh37 (hg19) VCF-style: chr16-9858654-T-C.
Other names: c.2747A>G, p.Asp916Gly (NM_000833.5, NM_001134408.2); short protein forms D916G.
Identifiers: ClinVar variation 1308078 (VCV001308078.4), dbSNP rs758542448, ClinGen allele CA7896430.

ClinVar aggregate classification (germline): Conflicting classifications of pathogenicity. Review status: criteria provided, conflicting classifications (1 of 4 stars). 2 submissions from 2 submitters: Uncertain significance (1); Likely benign (1). Last evaluated 2019-03-20.

Conditions:
Landau-Kleffner syndrome (FESD). Also called: EPILEPSY, FOCAL, WITH SPEECH DISORDER AND WITH OR WITHOUT MENTAL RETARDATION; APHASIA, ACQUIRED, WITH EPILEPSY. Identifiers: Orphanet 1945, Orphanet 725, Orphanet 98818, MedGen C0282512, MONDO:0009509, OMIM 245570.

Allele frequency attached by ClinVar (database versions not stated): TOPMed 0.00001; ExAC 0.00002; gnomAD exomes 0.00001 and below 0.00001.
gnomAD v4.1: 2 of 1,614,148 alleles (0.00012%); highest among the groups gnomAD compares: East Asian, 0.0045%; no homozygotes.

Submissions (2):

GeneDx
Classification: Uncertain significance. Last evaluated: 2019-03-20. Review status: criteria provided, single submitter. Criteria: GeneDx Variant Classification Process June 2021. Collection method: clinical testing. Allele origin: germline. Affected: yes.
Comment: In silico analysis, which includes protein predictors and evolutionary conservation, supports that this variant does not alter protein structure/function; Has not been previously published as pathogenic or benign to our knowledge

Juno Genomics, Hangzhou Juno Genomics, Inc
Classification: Likely benign for Landau-Kleffner syndrome. Review status: criteria provided, single submitter. Criteria: ACMG Guidelines, 2015. Collection method: clinical testing. Allele origin: germline.
Comment: Absent from controls (or at extremely low frequency if recessive) in Genome Aggregation Database.;Multiple lines of computational evidence suggest no impact on gene or gene product.